The following is an entry in ClinVar:

NM_000038.6(APC):c.6825G>T (p.Lys2275Asn)

Gene: APC (APC regulator of Wnt signaling pathway; plus strand). Cytogenetic location: 5q22.2.
Variant type: single nucleotide variant.
Coding change: c.6825G>T on transcript NM_000038.6 (MANE Select); coding-DNA position 6825, G replaced by T.
Protein change: p.Lys2275Asn; replaces lysine 2275 with asparagine.
Molecular consequence: missense variant.
Genome position (GRCh38, 1-based): chr5:112,842,419, G>T. VCF-style: chr5-112842419-G-T. GRCh37 (hg19) VCF-style: chr5-112178116-G-T.
Other names: c.6825G>T, p.Lys2275Asn (NM_001127510.3, NM_001354895.2, NM_001407450.1); c.6771G>T, p.Lys2257Asn (NM_001127511.3); c.6879G>T, p.Lys2293Asn (NM_001354896.2, NM_001407447.1, NM_001407448.1 and 1 more transcripts); c.6855G>T, p.Lys2285Asn (NM_001354897.2); c.6750G>T, p.Lys2250Asn (NM_001354898.2); c.6741G>T, p.Lys2247Asn (NM_001354899.2); c.6702G>T, p.Lys2234Asn (NM_001354900.2); c.6648G>T, p.Lys2216Asn (NM_001354901.2, NM_001407453.1); and 11 more; short protein forms K1891N, K2268N, K2192N, K2216N, K2247N, K2250N, K2115N, K2174N.
Identifiers: ClinVar variation 1755660 (VCV001755660.3), dbSNP rs2149974114, ClinGen allele CA16036231.

ClinVar aggregate classification (germline): Uncertain significance (1 of 4 stars; one submission).

Conditions:
Hereditary cancer-predisposing syndrome. Also called: Neoplastic Syndromes, Hereditary; Tumor predisposition; Hereditary Cancer Syndrome; Hereditary neoplastic syndrome. Identifiers: Orphanet 140162, MedGen C0027672, MeSH D009386, MONDO:0015356.

Submission:

Ambry Genetics
Classification: Uncertain significance for Hereditary cancer-predisposing syndrome. Last evaluated: 2025-05-23. Review status: criteria provided, single submitter. Criteria: Ambry Variant Classification Scheme 2023. Collection method: clinical testing. Allele origin: germline.
Comment: The p.K2275N variant (also known as c.6825G>T), located in coding exon 15 of the APC gene, results from a G to T substitution at nucleotide position 6825. The lysine at codon 2275 is replaced by asparagine, an amino acid with similar properties. This amino acid position is highly conserved in available vertebrate species. In addition, in silico predictors for this gene do not accurately predict pathogenicity. Missense alterations in APC are not a common cause of disease (Spier I et al. Genet Med. 2024 Feb;26(2):100992). Based on the available evidence, the clinical significance of this variant remains unclear.